The following is an entry in ClinVar:

NM_001257096.2(PAX1):c.47G>A (p.Trp16Ter)

Gene: PAX1 (paired box 1; plus strand). Cytogenetic location: 20p11.22.
Variant type: single nucleotide variant.
Coding change: c.47G>A on transcript NM_001257096.2 (MANE Select); coding-DNA position 47, G replaced by A.
Protein change: p.Trp16Ter; replaces tryptophan 16 with a stop codon.
Molecular consequence: nonsense.
Genome position (GRCh38, 1-based): chr20:21,705,759, G>A. VCF-style: chr20-21705759-G-A. GRCh37 (hg19) VCF-style: chr20-21686397-G-A.
Other names: c.47G>A, p.Trp16Ter (NM_006192.5); short protein forms W16*.
Identifiers: ClinVar variation 1460324 (VCV001460324.6), dbSNP rs1359631755, ClinGen allele CA408496754.
Genomic context (GRCh38, chr20:21,705,759, plus strand): 5'-TTTCTCCCAATCGGATGAAGTTCACCCTGGGCCTGGGGTCGCGGGCGTGGAGAGTGTCCT[G>A]GGAGGGGGCAGCAGCGGCGGCGGCAGGCCCTGGAGCGGGCGGCAGCGCGCTCCGCTGCCG-3'

ClinVar aggregate classification (germline): Pathogenic (1 of 4 stars; one submission).

Allele frequency attached by ClinVar (database versions not stated): gnomAD exomes 0.00001; TOPMed 0.00001; gnomAD 0.00002.

Submission:

Labcorp Genetics (formerly Invitae), Labcorp
Classification: Pathogenic. Last evaluated: 2025-03-17. Review status: criteria provided, single submitter. Criteria: Invitae Variant Classification Sherloc (09022015). Collection method: clinical testing. Allele origin: germline.
Comment: This sequence change creates a premature translational stop signal (p.Trp16*) in the PAX1 gene. It is expected to result in an absent or disrupted protein product. Loss-of-function variants in PAX1 are known to be pathogenic (PMID: 1889089, 23851939, 28657137, 29681087). This variant is not present in population databases (gnomAD no frequency). This variant has not been reported in the literature in individuals affected with PAX1-related conditions. ClinVar contains an entry for this variant (Variation ID: 1460324). For these reasons, this variant has been classified as Pathogenic.

Literature cited by the submitters: PubMed 1889089; PubMed 23851939; PubMed 28657137; PubMed 29681087.